The following is an entry in ClinVar:

NM_207122.2(EXT2):c.9G>A (p.Ala3=)

Gene: EXT2 (exostosin glycosyltransferase 2; plus strand). Cytogenetic location: 11p11.2.
Variant type: single nucleotide variant.
Coding change: c.9G>A on transcript NM_207122.2 (MANE Select); coding-DNA position 9, G replaced by A.
Protein change: p.Ala3=; no amino-acid change (alanine 3 retained).
Molecular consequence: synonymous variant.
Genome position (GRCh38, 1-based): chr11:44,107,721, G>A. VCF-style: chr11-44107721-G-A. GRCh37 (hg19) VCF-style: chr11-44129271-G-A.
Other names: c.108G>A, p.Ala36= (NM_000401.3); c.9G>A, p.Ala3= (NM_001178083.3, NM_001389628.1, NM_001389630.1); c.9G>A (NM_207122.1).
Identifiers: ClinVar variation 1563037 (VCV001563037.10), dbSNP rs774142487, ClinGen allele CA5954802.

ClinVar aggregate classification (germline): Likely benign. Review status: criteria provided, single submitter (1 of 4 stars). 2 submissions from 2 submitters: Likely benign (1). 1 of the submissions does not count toward it. Last evaluated 2025-05-14.

Conditions:
Exostoses, multiple, type 2 (EXT2). Also called: Hereditary Multiple Osteochondromatosis, Type II; EXOSTOSES, MULTIPLE, TYPE II. Identifiers: Orphanet 321, MedGen C1851413, MONDO:0007586, OMIM 133701.
EXT2-related disorder. Also called: EXT2-related condition.

Allele frequency attached by ClinVar (database versions not stated): ExAC 0.00001; gnomAD 0.00001; gnomAD exomes 0.00001 and 0.00002; TOPMed 0.00001.
gnomAD v4.1: 19 of 1,614,038 alleles (0.0012%); highest among the groups gnomAD compares: East Asian, 0.0022%; no homozygotes.

Submissions (2):

Labcorp Genetics (formerly Invitae), Labcorp
Classification: Likely benign for Exostoses, multiple, type 2. Last evaluated: 2025-05-14. Review status: criteria provided, single submitter. Criteria: Invitae Variant Classification Sherloc (09022015). Collection method: clinical testing. Allele origin: germline.

PreventionGenetics, part of Exact Sciences
Classification: Likely benign for EXT2-related condition. Last evaluated: 2021-11-19. Review status: no assertion criteria provided. Collection method: clinical testing. Allele origin: germline. Not counted in ClinVar's aggregate classification.
Comment: This variant is classified as likely benign based on ACMG/AMP sequence variant interpretation guidelines (Richards et al. 2015 PMID: 25741868, with internal and published modifications).